The following is an entry in ClinVar:

NM_001128178.3(NPHP1):c.249del (p.Glu84fs)

Gene: NPHP1 (nephrocystin 1; minus strand). Cytogenetic location: 2q13.
Variant type: Deletion.
Coding change: c.249del on transcript NM_001128178.3 (MANE Select); coding-DNA position 249, one base deleted (A; older notation c.249delA).
Protein change: p.Glu84fs; shifts the reading frame from glutamic acid 84.
Molecular consequence: frameshift variant. On other transcripts: intron variant (1).
Genome position (GRCh38, 1-based): chr2:110,178,503, T deleted on the plus strand (A on the coding strand, the reverse complement: NPHP1 is on the minus strand); the first of 2 consecutive T bases (chr2:110,178,503-110,178,504); deleting either gives the same sequence. VCF-style (leftmost placement, unchanged base first): chr2-110178502-CT-C. GRCh37 (hg19) VCF-style: chr2-110936079-CT-C.
Other names: c.249del, p.Glu84fs (NM_000272.5, NM_001374256.1, NM_001374257.1 and 1 more transcripts); c.144-8505del (NM_001128179.3); short protein forms E84fs.
Identifiers: ClinVar variation 3637859 (VCV003637859.2).

ClinVar aggregate classification (germline): Pathogenic (1 of 4 stars; one submission).

Conditions:
Nephronophthisis. Also called: Juvenile Nephronophthisis. Identifiers: HP:0000090, Orphanet 655, MedGen C0687120, MONDO:0019005.

Submission:

Labcorp Genetics (formerly Invitae), Labcorp
Classification: Pathogenic for Nephronophthisis. Last evaluated: 2024-01-31. Review status: criteria provided, single submitter. Criteria: Invitae Variant Classification Sherloc (09022015). Collection method: clinical testing. Allele origin: germline.
Comment: This sequence change creates a premature translational stop signal (p.Glu84Argfs*18) in the NPHP1 gene. It is expected to result in an absent or disrupted protein product. Loss-of-function variants in NPHP1 are known to be pathogenic (PMID: 23559409). This variant is not present in population databases (gnomAD no frequency). This variant has not been reported in the literature in individuals affected with NPHP1-related conditions. Algorithms developed to predict the effect of sequence changes on RNA splicing suggest that this variant may disrupt the consensus splice site. For these reasons, this variant has been classified as Pathogenic.

Literature cited by the submitters: PubMed 23559409.